The following is an entry in ClinVar:

NM_001113491.2(SEPTIN9):c.290G>T (p.Gly97Val)

Gene: SEPTIN9 (septin 9; plus strand). Cytogenetic location: 17q25.3.
Variant type: single nucleotide variant.
Coding change: c.290G>T on transcript NM_001113491.2 (MANE Select); coding-DNA position 290, G replaced by T.
Protein change: p.Gly97Val; replaces glycine 97 with valine.
Molecular consequence: missense variant. On other transcripts: 5 prime UTR variant (2).
Genome position (GRCh38, 1-based): chr17:77,402,272, G>T. VCF-style: chr17-77402272-G-T. GRCh37 (hg19) VCF-style: chr17-75398354-G-T.
Other names: c.-203G>T (NM_001113492.2, NM_001113494.1); c.269G>T, p.Gly90Val (NM_001113493.2); c.233G>T, p.Gly78Val (NM_001293695.2); c.236G>T, p.Gly79Val (NM_006640.5); short protein forms G78V, G79V, G90V, G97V.
Identifiers: ClinVar variation 2445533 (VCV002445533.4), dbSNP rs2509884202, ClinGen allele CA401205874.

ClinVar aggregate classification (germline): Uncertain significance (1 of 4 stars; one submission).

Allele frequency attached by ClinVar (database versions not stated): gnomAD exomes below 0.00001.
gnomAD v4.1: 2 of 1,612,056 alleles (0.00012%); highest among the groups gnomAD compares: Non-Finnish European, 0.00017%; no homozygotes.

Submission:

Labcorp Genetics (formerly Invitae), Labcorp
Classification: Uncertain significance. Last evaluated: 2022-04-05. Review status: criteria provided, single submitter. Criteria: Invitae Variant Classification Sherloc (09022015). Collection method: clinical testing. Allele origin: germline.
Comment: This sequence change replaces glycine, which is neutral and non-polar, with valine, which is neutral and non-polar, at codon 79 of the SEPT9 protein (p.Gly79Val). This variant is not present in population databases (gnomAD no frequency). This variant has not been reported in the literature in individuals affected with SEPT9-related conditions. Algorithms developed to predict the effect of missense changes on protein structure and function are either unavailable or do not agree on the potential impact of this missense change (SIFT: "Deleterious"; PolyPhen-2: "Probably Damaging"; Align-GVGD: "Class C0"). In summary, the available evidence is currently insufficient to determine the role of this variant in disease. Therefore, it has been classified as a Variant of Uncertain Significance.